The following is an entry in ClinVar:

ClinVar aggregate classification (germline): Uncertain significance (1 of 4 stars; one submission).

Conditions:
Parathyroid carcinoma (PRTC). Also called: Parathyroid gland carcinoma; CDC73-Related Parathyroid Carcinoma. Identifiers: Orphanet 143, MedGen C0687150, MONDO:0012004, OMIM 608266, HP:0006780.

Submission:

Labcorp Genetics (formerly Invitae), Labcorp
Classification: Uncertain significance for Parathyroid carcinoma. Last evaluated: 2024-02-02. Review status: criteria provided, single submitter. Criteria: Invitae Variant Classification Sherloc (09022015). Collection method: clinical testing. Allele origin: germline.
Comment: This sequence change affects codon 101 of the CDC73 mRNA. It is a 'silent' change, meaning that it does not change the encoded amino acid sequence of the CDC73 protein. This variant is not present in population databases (gnomAD no frequency). This variant has not been reported in the literature in individuals affected with CDC73-related conditions. Algorithms developed to predict the effect of sequence changes on RNA splicing suggest that this variant may create or strengthen a splice site. In summary, the available evidence is currently insufficient to determine the role of this variant in disease. Therefore, it has been classified as a Variant of Uncertain Significance.

NM_024529.5(CDC73):c.303A>G (p.Glu101=)

Gene: CDC73 (cell division cycle 73; plus strand). Cytogenetic location: 1q31.2.
Variant type: single nucleotide variant.
Coding change: c.303A>G on transcript NM_024529.5 (MANE Select); coding-DNA position 303, A replaced by G.
Protein change: p.Glu101=; no amino-acid change (glutamic acid 101 retained).
Molecular consequence: synonymous variant.
Genome position (GRCh38, 1-based): chr1:193,130,239, A>G. VCF-style: chr1-193130239-A-G. GRCh37 (hg19) VCF-style: chr1-193099369-A-G.
Identifiers: ClinVar variation 3638285 (VCV003638285.2).